The following is an entry in ClinVar:

NM_004525.3(LRP2):c.593G>A (p.Arg198His)

Gene: LRP2 (LDL receptor related protein 2; minus strand). Cytogenetic location: 2q31.1.
Variant type: single nucleotide variant.
Coding change: c.593G>A on transcript NM_004525.3 (MANE Select); coding-DNA position 593, G replaced by A.
Protein change: p.Arg198His; replaces arginine 198 with histidine.
Molecular consequence: missense variant.
Genome position (GRCh38, 1-based): chr2:169,294,207, C>T on the plus strand (G>A on the coding strand, the complement: LRP2 is on the minus strand). VCF-style: chr2-169294207-C-T. GRCh37 (hg19) VCF-style: chr2-170150717-C-T.
Other names: c.593G>A (NM_004525.2); short protein forms R198H.
Identifiers: ClinVar variation 1629083 (VCV001629083.11), dbSNP rs372596334, ClinGen allele CA1955817.
Genomic context (GRCh38, chr2:169,294,207, plus strand): 5'-CTGCAAGCATGTTCGTCACTGCCGTCTTGGCAATCATTGTCATGGTCACAGACATAAGCA[C>T]GAGGGATACACTCTCCATTGCCACATGAAAACTCATTGTGCAAGCATATCTCAGCTGCAA-3'
Protein context (NP_004516.2, residues 188-208): FSCGNGECIP[Arg198His]AYVCDHDNDC

ClinVar aggregate classification (germline): Likely benign. Review status: criteria provided, multiple submitters, no conflicts (2 of 4 stars). 3 submissions from 3 submitters: Likely benign (2). 1 of the submissions does not count toward it. Last evaluated 2026-01-05.

Conditions:
LRP2-related disorder. Also called: LRP2-related condition.
Inborn genetic diseases. Identifiers: MedGen C0950123, MeSH D030342.

Allele frequency attached by ClinVar (database versions not stated): gnomAD 0.00004 and 0.00005; gnomAD exomes 0.00004 and 0.00007; ExAC 0.00005; TOPMed 0.00005; ESP Exome Variant Server 0.00008.
gnomAD v4.1: 70 of 1,613,818 alleles (0.0043%); highest among the groups gnomAD compares: Middle Eastern, 0.016%; no homozygotes.

Submissions (3):

Labcorp Genetics (formerly Invitae), Labcorp
Classification: Likely benign. Last evaluated: 2026-01-05. Review status: criteria provided, single submitter. Criteria: Invitae Variant Classification Sherloc (09022015). Collection method: clinical testing. Allele origin: germline.

Ambry Genetics
Classification: Likely benign for Inborn genetic diseases. Last evaluated: 2022-04-22. Review status: criteria provided, single submitter. Criteria: Ambry Variant Classification Scheme 2023. Collection method: clinical testing. Allele origin: germline.

PreventionGenetics, part of Exact Sciences
Classification: Likely benign for LRP2-related condition. Last evaluated: 2022-04-01. Review status: no assertion criteria provided. Collection method: clinical testing. Allele origin: germline. Not counted in ClinVar's aggregate classification.
Comment: This variant is classified as likely benign based on ACMG/AMP sequence variant interpretation guidelines (Richards et al. 2015 PMID: 25741868, with internal and published modifications).